The following is an entry in ClinVar:

ClinVar aggregate classification (germline): Pathogenic (1 of 4 stars; one submission).

Submission:

Quest Diagnostics Nichols Institute San Juan Capistrano
Classification: Pathogenic. Last evaluated: 2022-02-16. Review status: criteria provided, single submitter. Criteria: ACMG/ClinGen CNV Guidelines, 2019. Collection method: clinical testing. Allele origin: unknown.
Comment: This deletion includes the RPL11 gene (OMIM 604175) .Haploinsufficiency of RPL11 is consistent with the autosomal dominant Diamond-Blackfan anemia-7 (DBA-7; OMIM 612562) (Waespe N et al., Theclinical impact of copy number variants in inherited bone marrow failure syndromes. NPJ Genom Med. 2017 May 10;2:18. PMID: 28690869; Quarello P et al., High frequency of ribosomal protein gene deletions in Italian Diamond-Blackfan anemia patients detected by multiplex ligation-dependent probe amplification assay. Haematologica. 2012 Dec;97(12):1813-7. PMID: 22689679). DBA is an inherited red blood cell aplasia that usually presents in the first year of life. The main features are normochromic macrocytic anemia, reticulocytopenia,and nearly absent erythroid progenitors in the bone marrow. Patients show growth retardation, and approximately 30 to 50% have craniofacial, upper limb, heart, and urinary system congenital malformations. The majority of patients have increased mean corpuscular volume, elevated erythrocyte adenosine deaminas eactivity, and persistence of hemoglobin F. However, some DBA patients do not exhibit these findings, and even within the same family, symptomscan vary between affected family members.

GRCh37/hg19 1p36.11(chr1:23980892-24024498)x1

Gene: RPL11 (ribosomal protein L11; plus strand). Cytogenetic location: 1p36.11.
Variant type: copy number loss.
Change: copy number 1 (one copy instead of two) of chr1:23,980,892-24,024,498 (43.6 kb, GRCh37 coordinates, 1-based), cytogenetic band 1p36.11.
Identifiers: ClinVar variation 1808450 (VCV001808450.1).